The following is an entry in ClinVar:

NM_018417.6(ADCY10):c.4082G>A (p.Arg1361Gln)

Gene: ADCY10 (adenylate cyclase 10; minus strand). Cytogenetic location: 1q24.2.
Variant type: single nucleotide variant.
Coding change: c.4082G>A on transcript NM_018417.6 (MANE Select); coding-DNA position 4082, G replaced by A.
Protein change: p.Arg1361Gln; replaces arginine 1361 with glutamine.
Molecular consequence: missense variant.
Genome position (GRCh38, 1-based): chr1:167,823,094, C>T on the plus strand (G>A on the coding strand, the complement: ADCY10 is on the minus strand). VCF-style: chr1-167823094-C-T. GRCh37 (hg19) VCF-style: chr1-167792332-C-T.
Other names: c.3623G>A, p.Arg1208Gln (NM_001167749.3); c.3806G>A, p.Arg1269Gln (NM_001297772.2); short protein forms R1269Q, R1361Q, R1208Q.
Identifiers: ClinVar variation 1491676 (VCV001491676.8), dbSNP rs766688731, ClinGen allele CA31424364.
Genomic context (GRCh38, chr1:167,823,094, plus strand): 5'-ACAAAATAGAAAAATGCCTTGCTGAAGATGTGTTCCTGTGTTACAGAAAGCTCCCACAGC[C>T]GCCCCAGCACCTGGATCAATTGCGGGTATCTATGGAAAAGAAAAGGTAGTGGCCATTAAA-3'
Protein context (NP_060887.2, residues 1351-1371): RYPQLIQVLG[Arg1361Gln]LWELSVTQEH

ClinVar aggregate classification (germline): Uncertain significance (1 of 4 stars; one submission).

Allele frequency attached by ClinVar (database versions not stated): gnomAD exomes 0.00001.
gnomAD v4.1: 5 of 1,614,084 alleles (0.00031%); highest among the groups gnomAD compares: East Asian, 0.0022%; no homozygotes.

Submission:

Labcorp Genetics (formerly Invitae), Labcorp
Classification: Uncertain significance. Last evaluated: 2024-10-18. Review status: criteria provided, single submitter. Criteria: Invitae Variant Classification Sherloc (09022015). Collection method: clinical testing. Allele origin: germline.
Comment: This sequence change replaces arginine, which is basic and polar, with glutamine, which is neutral and polar, at codon 1361 of the ADCY10 protein (p.Arg1361Gln). This variant is not present in population databases (gnomAD no frequency). This variant has not been reported in the literature in individuals affected with ADCY10-related conditions. ClinVar contains an entry for this variant (Variation ID: 1491676). An algorithm developed to predict the effect of missense changes on protein structure and function outputs the following: PolyPhen-2: "Benign". The glutamine amino acid residue is found in multiple mammalian species, which suggests that this missense change does not adversely affect protein function. In summary, the available evidence is currently insufficient to determine the role of this variant in disease. Therefore, it has been classified as a Variant of Uncertain Significance.